The following is an entry in ClinVar:

ClinVar aggregate classification (germline): Uncertain significance. Review status: criteria provided, multiple submitters, no conflicts (2 of 4 stars). 2 submissions from 2 submitters: Uncertain significance (2). Last evaluated 2024-05-15.

Conditions:
Inborn genetic diseases. Identifiers: MedGen C0950123, MeSH D030342.
Radio-Tartaglia syndrome. Identifiers: Orphanet 662234, MedGen C5543339, MONDO:0859143, OMIM 619312.

gnomAD v4.1: 19 of 1,614,168 alleles (0.0012%); highest among the groups gnomAD compares: Admixed American, 0.0017%; no homozygotes.

Submissions (2):

Ambry Genetics
Classification: Uncertain significance for Inborn genetic diseases. Last evaluated: 2024-05-15. Review status: criteria provided, single submitter. Criteria: Ambry Variant Classification Scheme 2023. Collection method: clinical testing. Allele origin: germline.

Laboratorio de Genetica e Diagnostico Molecular, Hospital Israelita Albert Einstein
Classification: Uncertain significance for Radio-Tartaglia syndrome. Last evaluated: 2023-10-20. Review status: criteria provided, single submitter. Criteria: ACMG Guidelines, 2015. Collection method: clinical testing. Allele origin: germline. Affected: yes.
Comment: ACMG classification criteria: PM2 supporting, BP4 supporting

NM_015001.3(SPEN):c.7022A>G (p.Lys2341Arg)

Gene: SPEN (spen family transcriptional repressor; plus strand). Cytogenetic location: 1p36.13.
Variant type: single nucleotide variant.
Coding change: c.7022A>G on transcript NM_015001.3 (MANE Select); coding-DNA position 7022, A replaced by G.
Protein change: p.Lys2341Arg; replaces lysine 2341 with arginine.
Molecular consequence: missense variant.
Genome position (GRCh38, 1-based): chr1:15,933,262, A>G. VCF-style: chr1-15933262-A-G. GRCh37 (hg19) VCF-style: chr1-16259757-A-G.
Other names: short protein forms K2341R.
Identifiers: ClinVar variation 3322145 (VCV003322145.2).